The following is an entry in ClinVar:

NM_015272.5(RPGRIP1L):c.1873G>T (p.Gly625Ter)

Gene: RPGRIP1L (RPGRIP1 like; minus strand). Cytogenetic location: 16q12.2.
Variant type: single nucleotide variant.
Coding change: c.1873G>T on transcript NM_015272.5 (MANE Select); coding-DNA position 1873, G replaced by T.
Protein change: p.Gly625Ter; replaces glycine 625 with a stop codon.
Molecular consequence: nonsense.
Genome position (GRCh38, 1-based): chr16:53,652,814, C>A on the plus strand (G>T on the coding strand, the complement: RPGRIP1L is on the minus strand). VCF-style: chr16-53652814-C-A. GRCh37 (hg19) VCF-style: chr16-53686726-C-A.
Other names: c.1873G>T, p.Gly625Ter (NM_001127897.4, NM_001308334.3, NM_001330538.2); c.1873G>T (NM_015272.4); short protein forms G625*.
Identifiers: ClinVar variation 660069 (VCV000660069.8), dbSNP rs1156977888, ClinGen allele CA395917140.

ClinVar aggregate classification (germline): Pathogenic/Likely pathogenic. Review status: criteria provided, multiple submitters, no conflicts (2 of 4 stars). 2 submissions from 2 submitters: Pathogenic (1); Likely pathogenic (1). Last evaluated 2024-05-15.

Conditions:
Meckel-Gruber syndrome. Also called: Dysencephalia splachnocystica; DYSENCEPHALIA SPLANCHNOCYSTICA; GRUBER SYNDROME. Identifiers: Orphanet 564, MedGen C0265215, MONDO:0018921.
Joubert syndrome. Also called: Familial aplasia of the vermis; CEREBELLOPARENCHYMAL DISORDER IV; JOUBERT-BOLTSHAUSER SYNDROME. Identifiers: Orphanet 475, MedGen C5979921, MONDO:0018772.

Submissions (2):

Natera, Inc.
Classification: Likely pathogenic for Joubert syndrome. Last evaluated: 2024-05-15. Review status: criteria provided, single submitter. Criteria: Natera Variant Classification Schema (03/2026). Collection method: clinical testing. Allele origin: germline.
Comment: The c.1873G>T variant in RPGRIP1L is a nonsense variant predicted to introduce a stop codon at amino acid 625. This variant is expected to result in nonsense mediated decay, truncation, or a dysfunctional protein product. This variant is rare in the general population with a frequency below the threshold expected for the associated phenotype(s). Given the available evidence, this variant is classified as Likely Pathogenic.

Labcorp Genetics (formerly Invitae), Labcorp
Classification: Pathogenic for Joubert syndrome; Meckel-Gruber syndrome. Last evaluated: 2023-12-30. Review status: criteria provided, single submitter. Criteria: Invitae Variant Classification Sherloc (09022015). Collection method: clinical testing. Allele origin: germline.
Comment: This sequence change creates a premature translational stop signal (p.Gly625*) in the RPGRIP1L gene. It is expected to result in an absent or disrupted protein product. Loss-of-function variants in RPGRIP1L are known to be pathogenic (PMID: 17558409). This variant is not present in population databases (gnomAD no frequency). This variant has not been reported in the literature in individuals affected with RPGRIP1L-related conditions. ClinVar contains an entry for this variant (Variation ID: 660069). For these reasons, this variant has been classified as Pathogenic.

Literature cited by the submitters: PubMed 17558409 (cited by Labcorp Genetics (formerly Invitae), Labcorp).